The following is an entry in ClinVar:

NM_000531.6(OTC):c.125T>A (p.Leu42His)

Gene: OTC (ornithine transcarbamylase; plus strand). Cytogenetic location: Xp11.4.
Variant type: single nucleotide variant.
Coding change: c.125T>A on transcript NM_000531.6 (MANE Select); coding-DNA position 125, T replaced by A.
Protein change: p.Leu42His; replaces leucine 42 with histidine.
Molecular consequence: missense variant.
Genome position (GRCh38, 1-based): chrX:38,367,338, T>A. VCF-style: chrX-38367338-T-A. GRCh37 (hg19) VCF-style: chrX-38226591-T-A.
Other names: p.Leu42His; c.125T>A, p.Leu42His (NM_001407092.1); short protein forms L42H.
Identifiers: ClinVar variation 1707591 (VCV001707591.3), dbSNP rs2519950612, ClinGen allele CA412715985.

ClinVar aggregate classification (germline): Uncertain significance (1 of 4 stars; one submission).

Conditions:
Ornithine carbamoyltransferase deficiency (OTCD). Also called: ORNITHINE TRANSCARBAMYLASE DEFICIENCY; ORNITHINE TRANSCARBAMYLASE DEFICIENCY, HYPERAMMONEMIA DUE TO; OTC DEFICIENCY; Ornithine Carbamoyltransferase Deficiency Disease. Identifiers: Orphanet 664, MedGen C0268542, MONDO:0010703, OMIM 311250.

Submission:

Foundation for Research in Genetics and Endocrinology, FRIGE's Institute of Human Genetics
Classification: Uncertain significance for Ornithine carbamoyltransferase deficiency. Last evaluated: 2021-10-25. Review status: criteria provided, single submitter. Criteria: ACMG Guidelines, 2015. Collection method: clinical testing. Allele origin: germline. Inheritance: X-linked inheritance. Affected: yes. Observed: 1 heterozygote.
Comment: A heterozygous missense variation in exon 2 of the OTC gene that results in the amino acid substitution of Histidine for Leucine at codon 42 was detected. The observed variant c.125T>A (p.Leu42His) has not been reported in the 1000 genomes and gnomAD database respectively. The in silico prediction of the variant are probably damaging by PolyPhen-2 and damaging by SIFT and LRT. The reference codon is conserved across species. In summary, the variant meets our criteria to be classified as a variant of uncertain significance.